The following is an entry in ClinVar:

NM_002474.3(MYH11):c.5864A>G (p.Glu1955Gly)

Genes: NDE1 (nudE neurodevelopment protein 1; plus strand), MYH11 (myosin heavy chain 11; minus strand). Cytogenetic location: 16p13.11.
Variant type: single nucleotide variant.
Coding change: c.5864A>G on transcript NM_002474.3 (MANE Select); coding-DNA position 5864, A replaced by G.
Protein change: p.Glu1955Gly; replaces glutamic acid 1955 with glycine.
Molecular consequence: missense variant. On other transcripts: 3 prime UTR variant (2), intron variant (2).
Genome position (GRCh38, 1-based): chr16:15,704,046, T>C on the plus strand (A>G on the coding strand, the complement: MYH11 is on the minus strand). VCF-style: chr16-15704046-T-C. GRCh37 (hg19) VCF-style: chr16-15797903-T-C.
Other names: c.*86A>G (NM_001040113.2, NM_022844.3); c.5885A>G, p.Glu1962Gly (NM_001040114.2); c.947+7186T>C (NM_001143979.2, NM_017668.3); short protein forms E1955G, E1962G.
Identifiers: ClinVar variation 3915412 (VCV003915412.1).
Genomic context (GRCh38, chr16:15,704,046, plus strand): 5'-GTTGCTTATTCACTGGCCTTGGTTCCATTGAAGTCTGCGTCTCGAGTGTCCGTTTCCTCC[T>C]CAGAACCATCTGCATTTTCAATAACTCTACGTCCTCCAGACCTTCTAGAAGGAACGAAAG-3'
Protein context (NP_002465.1, residues 1945-1965): RRVIENADGS[Glu1955Gly]EETDTRDADF

ClinVar aggregate classification (germline): Uncertain significance (1 of 4 stars; one submission).

Conditions:
Familial thoracic aortic aneurysm and aortic dissection (TAAD). Also called: Thoracic aortic aneurysms and dissections. Identifiers: Orphanet 91387, MedGen C4707243, MONDO:0019625.

Submission:

Ambry Genetics
Classification: Uncertain significance for Familial thoracic aortic aneurysm and aortic dissection. Last evaluated: 2025-03-31. Review status: criteria provided, single submitter. Criteria: Ambry Variant Classification Scheme 2023. Collection method: clinical testing. Allele origin: germline.
Comment: The p.E1955G variant (also known as c.5864A>G), located in coding exon 40 of the MYH11 gene, results from an A to G substitution at nucleotide position 5864. The glutamic acid at codon 1955 is replaced by glycine, an amino acid with similar properties. This amino acid position is conserved. In addition, this alteration is predicted to be tolerated by in silico analysis. Based on the available evidence, the clinical significance of this variant remains unclear.